The following is an entry in ClinVar:

NM_001605.3(AARS1):c.1108A>G (p.Met370Val)

Gene: AARS1 (alanyl-tRNA synthetase 1; minus strand). Cytogenetic location: 16q22.1.
Variant type: single nucleotide variant.
Coding change: c.1108A>G on transcript NM_001605.3 (MANE Select); coding-DNA position 1108, A replaced by G.
Protein change: p.Met370Val; replaces methionine 370 with valine.
Molecular consequence: missense variant.
Genome position (GRCh38, 1-based): chr16:70,267,773, T>C on the plus strand (A>G on the coding strand, the complement: AARS1 is on the minus strand). VCF-style: chr16-70267773-T-C. GRCh37 (hg19) VCF-style: chr16-70301676-T-C.
Other names: short protein forms M370V.
Identifiers: ClinVar variation 246273 (VCV000246273.19), dbSNP rs199976742, ClinGen allele CA8140917.

ClinVar aggregate classification (germline): Conflicting classifications of pathogenicity. Review status: criteria provided, conflicting classifications (1 of 4 stars). 7 submissions from 7 submitters: Uncertain significance (4); Benign (1); Likely benign (2). Last evaluated 2025-12-22.

Conditions:
AARS1-related disorder. Also called: AARS1-related condition.
Inborn genetic diseases. Identifiers: MedGen C0950123, MeSH D030342.
Charcot-Marie-Tooth disease. Also called: Charcot-Marie-Tooth Hereditary Neuropathy; Charcot-Marie-Tooth Neuropathy. Identifiers: Orphanet 166, MedGen C0007959, MONDO:0015626.
Charcot-Marie-Tooth disease type 2. Also called: Charcot-Marie-Tooth type 2. Identifiers: Orphanet 64746, MedGen C0270914, MONDO:0018993.

Allele frequency attached by ClinVar (database versions not stated): TOPMed 0.00007; ESP Exome Variant Server 0.00008; gnomAD exomes 0.00008 and 0.00019; gnomAD 0.00013 and 0.00014; ExAC 0.00016.
gnomAD v4.1: 149 of 1,614,048 alleles (0.0092%); highest among the groups gnomAD compares: East Asian, 0.0067%; no homozygotes.

Submissions (7):

Labcorp Genetics (formerly Invitae), Labcorp
Classification: Benign for Charcot-Marie-Tooth disease type 2. Last evaluated: 2025-12-22. Review status: criteria provided, single submitter. Criteria: Invitae Variant Classification Sherloc (09022015). Collection method: clinical testing. Allele origin: germline.

Women's Health and Genetics/Laboratory Corporation of America, LabCorp
Classification: Likely benign. Last evaluated: 2025-12-17. Review status: criteria provided, single submitter. Criteria: LabCorp Variant Classification Summary - May 2015. Collection method: clinical testing. Allele origin: germline.
Comment: Variant summary: AARS1 c.1108A>G (p.Met370Val) results in a conservative amino acid change in the encoded protein sequence. Algorithms developed to predict the effect of missense changes on protein structure and function are either unavailable or do not agree on the potential impact of this missense change. The variant allele was found at a frequency of 9.3e-05 in 1607056 control chromosomes, predominantly at a frequency of 0.0037 within the Ashkenazi Jewish subpopulation in the gnomAD database (v4.1 dataset). The observed variant frequency within Ashkenazi Jewish control individuals in the gnomAD database exceeds the estimated maximal expected allele frequency for disease-causing variants in AARS1. c.1108A>G has been observed in individuals affected with (suspected) Charcot-Marie-Tooth (CMT) disease (e.g. Volodarsky_2021, Nam_2021); however no supportive evidence for causality was provided. These report(s) do not provide unequivocal conclusions about association of the variant with Developmental and epileptic encephalopathy, 29. To our knowledge, no experimental evidence demonstrating an impact on protein function has been reported. ClinVar contains an entry for this variant (Variation ID: 246273). Based on the evidence outlined above, the variant was classified as likely benign.

GeneDx
Classification: Uncertain significance. Last evaluated: 2025-11-25. Review status: criteria provided, single submitter. Criteria: GeneDx Variant Classification Process June 2021. Collection method: clinical testing. Allele origin: germline. Affected: yes.
Comment: Identified in patients in the published literature with Charcot-Marie-Tooth disease; however, additional clinical and segregation information was not provided (PMID: 34813128, 32376792); In silico analysis suggests that this missense variant does not alter protein structure/function; This variant is associated with the following publications: (PMID: 25817015, 34813128, 32376792)

PreventionGenetics, part of Exact Sciences
Classification: Likely benign for AARS1-related condition. Last evaluated: 2025-08-20. Review status: criteria provided, single submitter. Criteria: ACMG Guidelines, 2015. Collection method: clinical testing. Allele origin: germline.
Comment: This variant is classified as likely benign based on ACMG/AMP sequence variant interpretation guidelines (Richards et al. 2015 PMID: 25741868, with internal and published modifications).

Blueprint Genetics
Classification: Uncertain significance. Last evaluated: 2024-09-30. Review status: criteria provided, single submitter. Criteria: ACMG Guidelines, 2015. Collection method: clinical testing. Allele origin: germline.

Ambry Genetics
Classification: Uncertain significance for Inborn genetic diseases. Last evaluated: 2021-05-11. Review status: criteria provided, single submitter. Criteria: Ambry Variant Classification Scheme 2023. Collection method: clinical testing. Allele origin: germline.
Comment: The p.M370V variant (also known as c.1108A>G), located in coding exon 8 of the AARS gene, results from an A to G substitution at nucleotide position 1108. The methionine at codon 370 is replaced by valine, an amino acid with highly similar properties. This amino acid position is highly conserved in available vertebrate species. In addition, the in silico prediction for this alteration is inconclusive. Based on the supporting evidence, this variant is unlikely to be causative of Charcot-Marie-Tooth disease, axonal, type 2N (CMT2N); however, its contribution to the development of AARS-related early infantile epileptic encephalopathy (EIEE) is uncertain.

Molecular Genetics Laboratory, London Health Sciences Centre
Classification: Uncertain significance for Charcot-Marie-Tooth disease. Review status: criteria provided, single submitter. Criteria: ACMG Guidelines, 2015. Collection method: clinical testing. Allele origin: germline. Affected: yes.

Literature cited by the submitters: PubMed 32376792 (cited by Women's Health and Genetics/Laboratory Corporation of America, LabCorp); PubMed 34813128 (cited by Women's Health and Genetics/Laboratory Corporation of America, LabCorp).